The following continues an entry in ClinVar:

NM_000535.7(PMS2):c.1937G>T (p.Arg646Met)

Gene: PMS2. ClinVar aggregate classification (germline): Conflicting classifications of pathogenicity. Uncertain significance (10); Benign (1); Likely benign (2).

Submissions 10 to 14 of 14:

All of Us Research Program, National Institutes of Health
Classification: Uncertain significance for Lynch syndrome. Last evaluated: 2024-03-14. Review status: criteria provided, single submitter. Criteria: ACMG Guidelines, 2015. Collection method: clinical testing. Allele origin: germline. Inheritance: Autosomal dominant inheritance. Observed: 16 variant alleles, 16 heterozygotes.
Comment: This missense variant replaces arginine with methionine at codon 646 of the PMS2 protein. Computational prediction suggests that this variant may not impact protein structure and function (internally defined REVEL score threshold <= 0.5, PMID: 27666373). To our knowledge, functional studies have not been reported for this variant. This variant has been reported in individuals affected with uterine cancer (PMID: 29684080), breast/ovarian cancer (PMID: 32295625, 34359559), prostate cancer (PMID: 31874108), as well as a healthy control individual in a large breast cancer case-control study (PMID: 33471991). This variant has been identified in 17/282520 chromosomes in the general population by the Genome Aggregation Database (gnomAD). The available evidence is insufficient to determine the role of this variant in disease conclusively. Therefore, this variant is classified as a Variant of Uncertain Significance.

This study involves interpretation of variants in research participants for the purpose of population health screening. Participant phenotype was not available at the time of variant classification. Additional details can be found in publication PMID: 35346344, PMCID: PMC8962531

Baylor Genetics
Classification: Uncertain significance for Lynch syndrome 4. Last evaluated: 2024-01-19. Review status: criteria provided, single submitter. Criteria: ACMG Guidelines, 2015. Collection method: clinical testing. Allele origin: unknown.

GeneDx
Classification: Uncertain significance. Last evaluated: 2024-01-12. Review status: criteria provided, single submitter. Criteria: GeneDx Variant Classification Process June 2021. Collection method: clinical testing. Allele origin: germline. Affected: yes.
Comment: In silico analysis supports that this missense variant has a deleterious effect on protein structure/function; Observed in individuals with uterine, breast, or other cancers, as well as in unaffected control groups (PMID: 29684080, 32295625, 33471991, 34326862); This variant is associated with the following publications: (PMID: 29684080, 32295625, 11292842, 34326862, 33471991, 31874108, 32830346)

Ambry Genetics
Classification: Likely benign for Hereditary cancer-predisposing syndrome. Last evaluated: 2023-04-11. Review status: criteria provided, single submitter. Criteria: Ambry Variant Classification Scheme 2023. Collection method: clinical testing. Allele origin: germline.

Department of Pathology and Laboratory Medicine, Sinai Health System
Classification: Uncertain significance. Review status: no assertion criteria provided. Collection method: clinical testing. Allele origin: unknown. Affected: yes. Study: The Canadian Open Genetics Repository (COGR). Not counted in ClinVar's aggregate classification.
Comment: The PMS2 p.Arg646Met variant was not identified in the literature. The variant was identified in dbSNP (rs372341850) as â€šÃ„Ãºwith uncertain significance allele and ClinVar (classified as uncertain significance by Invitae, Color, Amgry Genetics and GeneDx). The variant was identified in control databases in 17 of 282,520 chromosomes at a frequency of 0.00006 (Genome Aggregation Database Feb 27, 2017). The variant was observed in the following populations: Other in 1 of 7208 chromosomes (freq: 0.0001), European in 16 of 129,092 chromosomes (freq: 0.0001), while the variant was not observed in the African, Latino, Ashkenazi Jewish, East Asian, Finnish and South Asian populations. The p.Arg646 residue is conserved in mammals and computational analyses (PolyPhen-2, SIFT, AlignGVGD, BLOSUM, MutationTaster) provide inconsistent predictions regarding the impact to the protein; this information is not very predictive of pathogenicity. The variant occurs outside of the splicing consensus sequence and in silico or computational prediction software programs (SpliceSiteFinder, MaxEntScan, NNSPLICE, GeneSplicer) do not predict a difference in splicing. In summary, based on the above information the clinical significance of this variant cannot be determined with certainty at this time. This variant is classified as a variant of uncertain significance.

Literature cited by the submitters: PubMed 31874108 (cited by 3 submitters); PubMed 33471991 (cited by 4 submitters); PubMed 32295625 (cited by 4 submitters); PubMed 32830346 (cited by Women's Health and Genetics/Laboratory Corporation of America, LabCorp and Quest Diagnostics Nichols Institute San Juan Capistrano); PubMed 34326862 (cited by Women's Health and Genetics/Laboratory Corporation of America, LabCorp and Quest Diagnostics Nichols Institute San Juan Capistrano); PubMed 29684080 (cited by 3 submitters); PubMed 32885271 (cited by Quest Diagnostics Nichols Institute San Juan Capistrano); PubMed 34359559 (cited by 3 submitters).